The following is an entry in ClinVar:

NM_000088.4(COL1A1):c.671G>A (p.Gly224Asp)

Gene: COL1A1 (collagen type I alpha 1 chain; minus strand). Cytogenetic location: 17q21.33.
Variant type: single nucleotide variant.
Coding change: c.671G>A on transcript NM_000088.4 (MANE Select); coding-DNA position 671, G replaced by A.
Protein change: p.Gly224Asp; replaces glycine 224 with aspartic acid.
Molecular consequence: missense variant.
Genome position (GRCh38, 1-based): chr17:50,197,757, C>T on the plus strand (G>A on the coding strand, the complement: COL1A1 is on the minus strand). VCF-style: chr17-50197757-C-T. GRCh37 (hg19) VCF-style: chr17-48275118-C-T.
Other names: short protein forms G224D.
Identifiers: ClinVar variation 4850702 (VCV004850702.3).

ClinVar aggregate classification (germline): Pathogenic/Likely pathogenic. Review status: criteria provided, multiple submitters, no conflicts (2 of 4 stars). 2 submissions from 2 submitters: Pathogenic (1); Likely pathogenic (1). Last evaluated 2025-08-21.

Conditions:
autosomal dominant COL1A1-related osteogenesis imperfecta.

Submissions (2):

Dasa
Classification: Likely pathogenic. Last evaluated: 2025-08-21. Review status: criteria provided, single submitter. Criteria: DASA Assertion Criteria. Collection method: clinical testing. Allele origin: germline.
Comment: NM_000088.4(COL1A1):c.671G>A (p.Gly224Asp) is a missense variant that results in the substitution of glycine with aspartic acid. The affected residue or protein region has prior evidence supporting clinical relevance. This variant has been reported as a de novo occurrence in an affected individual (PMID: 29552444). Also, this variant is absent from population databases. Computational evidence supports a deleterious effect. Based on the currently available evidence, this variant is classified as likely pathogenic.

Variantyx, Inc.
Classification: Pathogenic for autosomal dominant COL1A1-related osteogenesis imperfecta. Last evaluated: 2025-07-30. Review status: criteria provided, single submitter. Criteria: Variantyx Assertion Criteria 2022. Collection method: clinical testing. Allele origin: de novo. Inheritance: Autosomal dominant inheritance. Affected: yes.
Comment: This is a nonsynonymous variant in the COL1A1 gene (OMIM: 120150). Pathogenic variants in this gene have been associated with autosomal dominant COL1A1-related osteogenesis imperfecta. This variant has been reported in at least two unrelated affected individuals (PMID: 28725987, 29552444) (PS4_Moderate). It lies within a known hotspot for pathogenic variants or a well-established critical functional domain of the COL1A1 protein (PMID: 21667357) (PM1)a and multiple computational algorithms predict a deleterious effect for this variant (REVEL score: 0.99) (PP3). This variant is absent from control populations (PM2). Based on the current evidence, this variant is classified as pathogenic for autosomal dominant COL1A1-related osteogenesis imperfecta.

Literature cited by the submitters: PubMed 29552444 (cited by Dasa and Variantyx, Inc.); PubMed 28725987 (cited by Variantyx, Inc.).